The following is an entry in ClinVar:

ClinVar aggregate classification (germline): Likely pathogenic. Review status: criteria provided, multiple submitters, no conflicts (2 of 4 stars). 2 submissions from 2 submitters: Likely pathogenic (2). Last evaluated 2025-08-19.

Conditions:
Pseudohypoaldosteronism, type IB1, autosomal recessive. Also called: Pseudohypoaldosteronism, Type I, Autosomal Recessive; Autosomal recessive pseudohypoaldosteronism type 1; PHA I, AUTOSOMAL RECESSIVE; Pseudohypoaldosteronism, Type I, Recessive. Identifiers: Orphanet 171876, Orphanet 756, MedGen C5774176, MONDO:0009917, OMIM 264350.
Bronchiectasis with or without elevated sweat chloride 2 (BESC2). Identifiers: Orphanet 60033, MedGen C2751666, MONDO:0013087, OMIM 613021.
Liddle syndrome 3. Identifiers: MedGen C4748292, MONDO:0029132, OMIM 618126.

gnomAD v4.1: 1 of 1,614,026 alleles (0.000062%); highest among the groups gnomAD compares: Non-Finnish European, 0.000085%; no homozygotes.

Submissions (2):

Variantyx, Inc.
Classification: Likely pathogenic for Pseudohypoaldosteronism, type IB1, autosomal recessive. Last evaluated: 2025-08-19. Review status: criteria provided, single submitter. Criteria: Variantyx Assertion Criteria 2022. Collection method: clinical testing. Allele origin: germline. Inheritance: Autosomal recessive inheritance. Affected: no.
Comment: This is a canonical splicing variant in the SCNN1A gene (OMIM: 600228). Pathogenic variants in this gene have been associated with autosomal recessive pseudohypoaldosteronism, type IB1. This splicing variant is expected to result in loss of function, which is a known disease mechanism for SCNN1A in this disorder (PMID: 34134742) (PVS1). It has a 0.0001% maximum allele frequency in non-founder control populations (PM2). and it has been reported in the homozygous state in at least one affected individual (PMID: 34134742). Based on the current evidence, this variant is classified as likely pathogenic for autosomal recessive pseudohypoaldosteronism, type IB1.

Fulgent Genetics
Classification: Likely pathogenic for Pseudohypoaldosteronism, type IB1, autosomal recessive; Bronchiectasis with or without elevated sweat chloride 2; Liddle syndrome 3. Last evaluated: 2024-06-12. Review status: criteria provided, single submitter. Criteria: ACMG Guidelines, 2015. Collection method: clinical testing. Allele origin: germline.

Literature cited by the submitters: PubMed 34134742 (cited by Variantyx, Inc.).

NM_001038.6(SCNN1A):c.685-1G>A

Gene: SCNN1A (sodium channel epithelial 1 subunit alpha; minus strand). Cytogenetic location: 12p13.31.
Variant type: single nucleotide variant.
Coding change: c.685-1G>A on transcript NM_001038.6 (MANE Select); the canonical splice acceptor site of the intron before coding-DNA position 685, G replaced by A.
Molecular consequence: splice acceptor variant.
Genome position (GRCh38, 1-based): chr12:6,362,242, C>T on the plus strand (G>A on the coding strand, the complement: SCNN1A is on the minus strand). VCF-style: chr12-6362242-C-T. GRCh37 (hg19) VCF-style: chr12-6471408-C-T.
Other names: c.754-1G>A (NM_001159575.2); c.862-1G>A (NM_001159576.2).
Identifiers: ClinVar variation 3575118 (VCV003575118.1).